The following is an entry in ClinVar:

NM_000384.3(APOB):c.4919C>T (p.Ala1640Val)

Gene: APOB (apolipoprotein B; minus strand). Cytogenetic location: 2p24.1.
Variant type: single nucleotide variant.
Coding change: c.4919C>T on transcript NM_000384.3 (MANE Select); coding-DNA position 4919, C replaced by T.
Protein change: p.Ala1640Val; replaces alanine 1640 with valine.
Molecular consequence: missense variant.
Genome position (GRCh38, 1-based): chr2:21,011,949, G>A on the plus strand (C>T on the coding strand, the complement: APOB is on the minus strand). VCF-style: chr2-21011949-G-A. GRCh37 (hg19) VCF-style: chr2-21234821-G-A.
Other names: short protein forms A1640V.
Identifiers: ClinVar variation 3748404 (VCV003748404.2).
Genomic context (GRCh38, chr2:21,011,949, plus strand): 5'-AAGTTGGTCGTTGCACTGGTAGATATTCCATCTTGGCCAATCCTTAGTGTCGCCTTGTGA[G>A]CACCACTATTAATTTTGTCAGTGCCTAAGATGTCAGCATTTAACTCAAGACCATGGGAAT-3'
Protein context (NP_000375.3, residues 1630-1650): ILGTDKINSG[Ala1640Val]HKATLRIGQD

ClinVar aggregate classification (germline): Uncertain significance (1 of 4 stars; one submission).

Conditions:
Familial hypobetalipoproteinemia 1. Also called: APOB-Related Familial Hypobetalipoproteinemia; Hypobetalipoproteinemia, normotriglyceridemic; Acanthocytosis with hypobetalipoproteinemia. Identifiers: MedGen C4551990, MONDO:0014252, OMIM 615558.
Hypercholesterolemia, autosomal dominant, type B (FHCL2). Also called: Familial Hypercholesterolemia Type B; APOLIPOPROTEIN B-100, FAMILIAL DEFECTIVE; APOLIPOPROTEIN B-100, FAMILIAL LIGAND-DEFECTIVE; HYPERCHOLESTEROLEMIA, FAMILIAL, DUE TO LIGAND-DEFECTIVE APOLIPOPROTEIN B; Hyperlipoproteinemia Type IIb; Familial hypercholesterolemia 2. Identifiers: MedGen C1704417, MONDO:0007751, OMIM 144010.

Submission:

Labcorp Genetics (formerly Invitae), Labcorp
Classification: Uncertain significance for Familial hypobetalipoproteinemia 1; Hypercholesterolemia, autosomal dominant, type B. Last evaluated: 2024-12-17. Review status: criteria provided, single submitter. Criteria: Invitae Variant Classification Sherloc (09022015). Collection method: clinical testing. Allele origin: germline.
Comment: This sequence change replaces alanine, which is neutral and non-polar, with valine, which is neutral and non-polar, at codon 1640 of the APOB protein (p.Ala1640Val). This variant is not present in population databases (gnomAD no frequency). This variant has not been reported in the literature in individuals affected with APOB-related conditions. Invitae Evidence Modeling of protein sequence and biophysical properties (such as structural, functional, and spatial information, amino acid conservation, physicochemical variation, residue mobility, and thermodynamic stability) indicates that this missense variant is not expected to disrupt APOB protein function with a negative predictive value of 95%. In summary, the available evidence is currently insufficient to determine the role of this variant in disease. Therefore, it has been classified as a Variant of Uncertain Significance.